The following is an entry in ClinVar:

NM_000536.4(RAG2):c.809A>G (p.Glu270Gly)

Gene: RAG2 (recombination activating 2; minus strand). Cytogenetic location: 11p12.
Variant type: single nucleotide variant.
Coding change: c.809A>G on transcript NM_000536.4 (MANE Select); coding-DNA position 809, A replaced by G.
Protein change: p.Glu270Gly; replaces glutamic acid 270 with glycine.
Molecular consequence: missense variant.
Genome position (GRCh38, 1-based): chr11:36,593,360, T>C on the plus strand (A>G on the coding strand, the complement: RAG2 is on the minus strand). VCF-style: chr11-36593360-T-C. GRCh37 (hg19) VCF-style: chr11-36614910-T-C.
Other names: c.809A>G, p.Glu270Gly (NM_001243785.2, NM_001243786.2); short protein forms E270G.
Identifiers: ClinVar variation 566212 (VCV000566212.9), dbSNP rs149241274, ClinGen allele CA5950521.

ClinVar aggregate classification (germline): Uncertain significance. Review status: criteria provided, multiple submitters, no conflicts (2 of 4 stars). 4 submissions from 4 submitters: Uncertain significance (3). 1 of the submissions does not count toward it. Last evaluated 2024-11-21.

Conditions:
RAG2-related disorder. Also called: RAG2-related condition.
Severe combined immunodeficiency, autosomal recessive, T cell-negative, B cell-negative, NK cell-positive. Also called: Severe combined immunodeficiency due to complete RAG1/2 deficiency; SCID, T CELL-NEGATIVE, B CELL-NEGATIVE, NK CELL-POSITIVE; SCID, AR, T-cell negative, B-cell negative, NK cell-positive. Identifiers: Orphanet 331206, MedGen C1832322, MONDO:0011086, OMIM 601457.
Combined immunodeficiency with skin granulomas. Identifiers: Orphanet 157949, MedGen C2673536, MONDO:0009306, OMIM 233650.
Histiocytic medullary reticulosis. Also called: Omenn syndrome; SEVERE COMBINED IMMUNODEFICIENCY WITH HYPEREOSINOPHILIA. Identifiers: Orphanet 39041, MedGen C2700553, MONDO:0011338, OMIM 603554.

Allele frequency attached by ClinVar (database versions not stated): ExAC 0.00007; ESP Exome Variant Server 0.00015; TOPMed 0.00020; gnomAD 0.00025.

Submissions (4):

Blueprint Genetics
Classification: Uncertain significance. Last evaluated: 2024-11-21. Review status: criteria provided, single submitter. Criteria: ACMG Guidelines, 2015. Collection method: clinical testing. Allele origin: germline.

PreventionGenetics, part of Exact Sciences
Classification: Uncertain significance for RAG2-related condition. Last evaluated: 2023-03-30. Review status: criteria provided, single submitter. Criteria: ACMG Guidelines, 2015. Collection method: clinical testing. Allele origin: germline.
Comment: The RAG2 c.809A>G variant is predicted to result in the amino acid substitution p.Glu270Gly. To our knowledge, this variant has not been reported in the literature. This variant is reported in 0.037% of alleles in individuals of Latino descent in gnomAD. At this time, the clinical significance of this variant is uncertain due to the absence of conclusive functional and genetic evidence.

Labcorp Genetics (formerly Invitae), Labcorp
Classification: Uncertain significance for Combined immunodeficiency with skin granulomas; Severe combined immunodeficiency, autosomal recessive, T cell-negative, B cell-negative, NK cell-positive. Last evaluated: 2022-08-15. Review status: criteria provided, single submitter. Criteria: Invitae Variant Classification Sherloc (09022015). Collection method: clinical testing. Allele origin: germline.
Comment: This sequence change replaces glutamic acid, which is acidic and polar, with glycine, which is neutral and non-polar, at codon 270 of the RAG2 protein (p.Glu270Gly). This variant is present in population databases (rs149241274, gnomAD 0.03%). This variant has not been reported in the literature in individuals affected with RAG2-related conditions. ClinVar contains an entry for this variant (Variation ID: 566212). Advanced modeling of protein sequence and biophysical properties (such as structural, functional, and spatial information, amino acid conservation, physicochemical variation, residue mobility, and thermodynamic stability) performed at Invitae indicates that this missense variant is expected to disrupt RAG2 protein function. In summary, the available evidence is currently insufficient to determine the role of this variant in disease. Therefore, it has been classified as a Variant of Uncertain Significance.

Natera, Inc.
Classification: Uncertain significance for Omenn syndrome. Last evaluated: 2019-11-11. Review status: no assertion criteria provided. Collection method: clinical testing. Allele origin: germline. Not counted in ClinVar's aggregate classification.